The following is an entry in ClinVar:

ClinVar aggregate classification (germline): Uncertain significance (1 of 4 stars; one submission).

Conditions:
Charcot-Marie-Tooth disease dominant intermediate C (CMTDIC). Also called: CHARCOT-MARIE-TOOTH NEUROPATHY, DOMINANT INTERMEDIATE C. Identifiers: Orphanet 100045, MedGen C1842237, MONDO:0012012, OMIM 608323.

Submission:

Labcorp Genetics (formerly Invitae), Labcorp
Classification: Uncertain significance for Charcot-Marie-Tooth disease dominant intermediate C. Last evaluated: 2023-04-06. Review status: criteria provided, single submitter. Criteria: Invitae Variant Classification Sherloc (09022015). Collection method: clinical testing. Allele origin: germline.
Comment: This sequence change replaces threonine, which is neutral and polar, with alanine, which is neutral and non-polar, at codon 15 of the YARS protein (p.Thr15Ala). This variant is not present in population databases (gnomAD no frequency). This variant has not been reported in the literature in individuals affected with YARS-related conditions. Advanced modeling of protein sequence and biophysical properties (such as structural, functional, and spatial information, amino acid conservation, physicochemical variation, residue mobility, and thermodynamic stability) performed at Invitae indicates that this missense variant is not expected to disrupt YARS protein function. In summary, the available evidence is currently insufficient to determine the role of this variant in disease. Therefore, it has been classified as a Variant of Uncertain Significance.

NM_003680.4(YARS1):c.43A>G (p.Thr15Ala)

Genes: S100PBP (S100P binding protein; plus strand), YARS1 (tyrosyl-tRNA synthetase 1; minus strand). Cytogenetic location: 1p35.1.
Variant type: single nucleotide variant.
Coding change: c.43A>G on transcript NM_003680.4 (MANE Select); coding-DNA position 43, A replaced by G.
Protein change: p.Thr15Ala; replaces threonine 15 with alanine.
Molecular consequence: missense variant.
Genome position (GRCh38, 1-based): chr1:32,817,202, T>C on the plus strand (A>G on the coding strand, the complement: YARS1 is on the minus strand). VCF-style: chr1-32817202-T-C. GRCh37 (hg19) VCF-style: chr1-33282803-T-C.
Other names: short protein forms T15A.
Identifiers: ClinVar variation 3019592 (VCV003019592.3), dbSNP rs2523458616, ClinGen allele CA339688971.